The following is an entry in ClinVar:

NM_014284.3(NCDN):c.202A>C (p.Ile68Leu)

Gene: NCDN (neurochondrin; plus strand). Cytogenetic location: 1p34.3.
Variant type: single nucleotide variant.
Coding change: c.202A>C on transcript NM_014284.3 (MANE Select); coding-DNA position 202, A replaced by C.
Protein change: p.Ile68Leu; replaces isoleucine 68 with leucine.
Molecular consequence: missense variant.
Genome position (GRCh38, 1-based): chr1:35,560,353, A>C. VCF-style: chr1-35560353-A-C. GRCh37 (hg19) VCF-style: chr1-36025954-A-C.
Other names: c.202A>C, p.Ile68Leu (NM_001014839.2); c.151A>C, p.Ile51Leu (NM_001014841.2); short protein forms I51L, I68L.
Identifiers: ClinVar variation 2626891 (VCV002626891.1), dbSNP rs764196052, ClinGen allele CA339342902.

ClinVar aggregate classification (germline): Uncertain significance (1 of 4 stars; one submission).

Allele frequency attached by ClinVar (database versions not stated): TOPMed below 0.00001; gnomAD 0.00001.
gnomAD v4.1: 1 of 1,613,758 alleles (0.000062%); highest among the groups gnomAD compares: African/African-American, 0.0013%; no homozygotes.

Submission:

Greenwood Genetic Center Diagnostic Laboratories, Greenwood Genetic Center
Classification: Uncertain significance. Last evaluated: 2023-08-16. Review status: criteria provided, single submitter. Criteria: ACMG Guidelines, 2015. Collection method: clinical testing. Allele origin: germline. Affected: yes.
Comment: BP4, PP2